The following is an entry in ClinVar:

ClinVar aggregate classification (germline): Uncertain significance (1 of 4 stars; one submission).

Conditions:
Developmental delay with dysmorphic facies and dental anomalies. Identifiers: MedGen C5543197, MONDO:0030988, OMIM 619228.

gnomAD v4.1: 1 of 1,614,024 alleles (0.000062%); highest among the groups gnomAD compares: Non-Finnish European, 0.000085%; no homozygotes.

Submission:

Pittsburgh Clinical Genomics Laboratory, University of Pittsburgh Medical Center
Classification: Uncertain significance for Developmental delay with dysmorphic facies and dental anomalies. Last evaluated: 2024-08-28. Review status: criteria provided, single submitter. Criteria: ACMG Guidelines, 2015. Collection method: clinical testing. Allele origin: germline. Inheritance: Autosomal dominant inheritance. Affected: yes.
Comment: This sequence variant is a single nucleotide substitution (A>G) at position 904 of the coding sequence of the SATB1 gene that results in an asparagine to aspartic acid amino acid change at residue 302 of the SATB homeobox 1 protein. This variant is absent from ClinVar and has not been observed in individuals affected by a SATB1-related disorder in the published literature, to our knowledge. This variant is present in 1 of 833110 alleles (0.00012%) in the gnomAD v4.0.0 population dataset. Bioinformatic tools are inconclusive if this amino acid change will be damaging or tolerated, and the Asn302 residue at this position is highly conserved across the vertebrate species examined. Studies examining the functional consequence of this variant have not been published, to our knowledge. At this time, there is insufficient evidence to determine if this variant is pathogenic or benign. Therefore, we consider this a variant of uncertain significance. ACMG Criteria: PM2

NM_002971.6(SATB1):c.904A>G (p.Asn302Asp)

Gene: SATB1 (SATB homeobox 1; minus strand). Cytogenetic location: 3p24.3.
Variant type: single nucleotide variant.
Coding change: c.904A>G on transcript NM_002971.6 (MANE Select); coding-DNA position 904, A replaced by G.
Protein change: p.Asn302Asp; replaces asparagine 302 with aspartic acid.
Molecular consequence: missense variant.
Genome position (GRCh38, 1-based): chr3:18,394,764, T>C on the plus strand (A>G on the coding strand, the complement: SATB1 is on the minus strand). VCF-style: chr3-18394764-T-C. GRCh37 (hg19) VCF-style: chr3-18436256-T-C.
Other names: c.904A>G, p.Asn302Asp (NM_001131010.4, NM_001195470.3, NM_001322871.2 and 4 more transcripts); c.688A>G, p.Asn230Asp (NM_001322876.2); short protein forms N230D, N302D.
Identifiers: ClinVar variation 3376339 (VCV003376339.1).